The following is an entry in ClinVar:

NM_003742.4(ABCB11):c.236T>A (p.Val79Glu)

Gene: ABCB11 (ATP binding cassette subfamily B member 11; minus strand). Cytogenetic location: 2q31.1.
Variant type: single nucleotide variant.
Coding change: c.236T>A on transcript NM_003742.4 (MANE Select); coding-DNA position 236, T replaced by A.
Protein change: p.Val79Glu; replaces valine 79 with glutamic acid.
Molecular consequence: missense variant.
Genome position (GRCh38, 1-based): chr2:169,013,425, A>T on the plus strand (T>A on the coding strand, the complement: ABCB11 is on the minus strand). VCF-style: chr2-169013425-A-T. GRCh37 (hg19) VCF-style: chr2-169869935-A-T.
Other names: c.236T>A, p.Val79Glu (LRG_1199t1); short protein forms V79E.
Identifiers: ClinVar variation 290969 (VCV000290969.11), dbSNP rs886044603, ClinGen allele CA10606965.

ClinVar aggregate classification (germline): Conflicting classifications of pathogenicity. Review status: criteria provided, conflicting classifications (1 of 4 stars). 3 submissions from 3 submitters: Likely pathogenic (1); Uncertain significance (2). Last evaluated 2026-06-24.

Conditions:
ABCB11-related disorder. Also called: ABCB11-related condition.

Allele frequency attached by ClinVar (database versions not stated): TOPMed below 0.00001.

Submissions (3):

PreventionGenetics, part of Exact Sciences
Classification: Uncertain significance for ABCB11-related condition. Last evaluated: 2026-06-24. Review status: criteria provided, single submitter. Criteria: ACMG Guidelines, 2015. Collection method: clinical testing. Allele origin: germline.
Comment: The ABCB11 c.236T>A variant is predicted to result in the amino acid substitution p.Val79Glu. To our knowledge, this variant has not been reported in the literature or in a large population database (gnomAD), indicating this variant is rare. This variant is assessed as uncertain and likely pathogenic in ClinVar (Variation ID: 290969). At this time, the clinical significance of this variant is uncertain due to the absence of conclusive functional and genetic evidence.

GeneDx
Classification: Likely pathogenic. Last evaluated: 2022-01-19. Review status: criteria provided, single submitter. Criteria: GeneDx Variant Classification Process June 2021. Collection method: clinical testing. Allele origin: germline. Affected: yes.
Comment: Has not been previously published as pathogenic or benign to our knowledge; In silico analysis, which includes protein predictors and evolutionary conservation, supports a deleterious effect; Not observed at significant frequency in large population cohorts (gnomAD)

Eurofins Ntd Llc (ga)
Classification: Uncertain significance. Last evaluated: 2016-08-25. Review status: criteria provided, single submitter. Criteria: EGL Classification Definitions 2015. Collection method: clinical testing. Allele origin: germline. Observed: 1 variant allele, 1 heterozygote.